The following is an entry in ClinVar:

ClinVar aggregate classification (germline): Likely benign (1 of 4 stars; one submission).

Allele frequency attached by ClinVar (database versions not stated): gnomAD 0.00005 and 0.00006; TOPMed 0.00005; ExAC 0.00008; ESP Exome Variant Server 0.00008; gnomAD exomes 0.00008 and 0.00009.
gnomAD v4.1: 144 of 1,613,488 alleles (0.0089%); highest among the groups gnomAD compares: South Asian, 0.048%; no homozygotes.

Submission:

Women's Health and Genetics/Laboratory Corporation of America, LabCorp
Classification: Likely benign. Last evaluated: 2022-03-21. Review status: criteria provided, single submitter. Criteria: LabCorp Variant Classification Summary - May 2015. Collection method: clinical testing. Allele origin: germline.
Comment: Variant summary: DPYD c.1280T>C (p.Val427Ala) results in a non-conservative amino acid change in the encoded protein sequence. Three of five in-silico tools predict a damaging effect of the variant on protein function. The variant allele was found at a frequency of 8e-05 in 251230 control chromosomes. This frequency is not significantly higher than expected for a pathogenic variant in DPYD causing Dihydropyrimidine Dehydrogenase Deficiency (8e-05 vs 0.0025), allowing no conclusion about variant significance. c.1280T>C has been reported in the literature as a non-indormative genotype in sequencing studies of individuals affected with 5-Fluorouracil toxicity (example, van Kuilenburg_2017, Detailleur_2021). These report(s) do not provide unequivocal conclusions about association of the variant with Dihydropyrimidine Dehydrogenase Deficiency. Multiple publications report experimental evidence evaluating an impact on protein function (example, van Kuilenburg_2017, Shreshta_2018, Hishinuma_2020). These results showed no damaging effect of this variant on DPYD enzyme activity in-vitro. No clinical diagnostic laboratories have submitted clinical-significance assessments for this variant to ClinVar after 2014. Based on the evidence outlined above, the variant was classified as likely benign.

Literature cited by the submitters: PubMed 32707991; PubMed 29327356; PubMed 33414624; PubMed 28024938.

NM_000110.4(DPYD):c.1280T>C (p.Val427Ala)

Gene: DPYD (dihydropyrimidine dehydrogenase; minus strand). Cytogenetic location: 1p21.3.
Variant type: single nucleotide variant.
Coding change: c.1280T>C on transcript NM_000110.4 (MANE Select); coding-DNA position 1280, T replaced by C.
Protein change: p.Val427Ala; replaces valine 427 with alanine.
Molecular consequence: missense variant.
Genome position (GRCh38, 1-based): chr1:97,573,819, A>G on the plus strand (T>C on the coding strand, the complement: DPYD is on the minus strand). VCF-style: chr1-97573819-A-G. GRCh37 (hg19) VCF-style: chr1-98039375-A-G.
Other names: short protein forms V427A.
Identifiers: ClinVar variation 1677165 (VCV001677165.1), dbSNP rs200693895, ClinGen allele CA963392.